The following is an entry in ClinVar:

ClinVar aggregate classification (germline): Uncertain significance (1 of 4 stars; one submission).

Conditions:
Cornelia de Lange syndrome 5 (CDLS5). Also called: HDAC8-Related Cornelia de Lange Syndrome. Identifiers: Orphanet 199, MedGen C3550903, MONDO:0010471, OMIM 300882.

Submission:

Labcorp Genetics (formerly Invitae), Labcorp
Classification: Uncertain significance for Cornelia de Lange syndrome 5. Last evaluated: 2022-02-05. Review status: criteria provided, single submitter. Criteria: Invitae Variant Classification Sherloc (09022015). Collection method: clinical testing. Allele origin: germline.
Comment: This variant has not been reported in the literature in individuals affected with HDAC8-related conditions. This variant is not present in population databases (gnomAD no frequency). This sequence change replaces glutamic acid, which is acidic and polar, with alanine, which is neutral and non-polar, at codon 23 of the HDAC8 protein (p.Glu23Ala). Advanced modeling of protein sequence and biophysical properties (such as structural, functional, and spatial information, amino acid conservation, physicochemical variation, residue mobility, and thermodynamic stability) performed at Invitae indicates that this missense variant is not expected to disrupt HDAC8 protein function. In summary, the available evidence is currently insufficient to determine the role of this variant in disease. Therefore, it has been classified as a Variant of Uncertain Significance.

NM_018486.3(HDAC8):c.68A>C (p.Glu23Ala)

Gene: HDAC8 (histone deacetylase 8; minus strand). Cytogenetic location: Xq13.1.
Variant type: single nucleotide variant.
Coding change: c.68A>C on transcript NM_018486.3 (MANE Select); coding-DNA position 68, A replaced by C.
Protein change: p.Glu23Ala; replaces glutamic acid 23 with alanine.
Molecular consequence: missense variant. On other transcripts: non-coding transcript variant (1).
Genome position (GRCh38, 1-based): chrX:72,572,694, T>G on the plus strand (A>C on the coding strand, the complement: HDAC8 is on the minus strand). VCF-style: chrX-72572694-T-G. GRCh37 (hg19) VCF-style: chrX-71792544-T-G.
Other names: c.68A>C, p.Glu23Ala (NM_001166418.2, NM_001166419.2, NM_001166420.2 and 2 more transcripts); short protein forms E23A.
Identifiers: ClinVar variation 1464012 (VCV001464012.8), dbSNP rs2147618656, ClinGen allele CA413577156.